The following is an entry in ClinVar:

ClinVar aggregate classification (germline): Pathogenic/Likely pathogenic. Review status: criteria provided, multiple submitters, no conflicts (2 of 4 stars). 4 submissions from 4 submitters: Pathogenic (1); Likely pathogenic (2). 1 of the submissions does not count toward it. Last evaluated 2025-09-01.

Conditions:
Hypertrophic cardiomyopathy. Also called: HYPERTROPHIC MYOCARDIOPATHY. Identifiers: Orphanet 217569, MedGen C0007194, MeSH D002312, MONDO:0005045, HP:0001639.
Cardiovascular phenotype. Identifiers: MedGen CN230736.

Submissions (4):

CeGaT Center for Human Genetics Tuebingen
Classification: Likely pathogenic. Last evaluated: 2025-09-01. Review status: criteria provided, single submitter. Criteria: CeGaT Center For Human Genetics Tuebingen Variant Classification Criteria Version 2. Collection method: clinical testing. Allele origin: germline. Affected: yes. Observed: 1 variant allele.
Comment: MYH7: PM1, PM2, PM5, PP3, PS4:Supporting

Molecular Diagnostic Laboratory for Inherited Cardiovascular Disease, Montreal Heart Institute
Classification: Likely pathogenic for Cardiovascular phenotype. Last evaluated: 2025-04-01. Review status: criteria provided, single submitter. Criteria: ACMG Guidelines, 2015. Collection method: clinical testing. Allele origin: germline. Affected: yes.
Comment: PM1, PM2, PM5, PP3

Labcorp Genetics (formerly Invitae), Labcorp
Classification: Pathogenic for Hypertrophic cardiomyopathy. Last evaluated: 2024-09-27. Review status: criteria provided, single submitter. Criteria: Invitae Variant Classification Sherloc (09022015). Collection method: clinical testing. Allele origin: germline.
Comment: This sequence change replaces valine, which is neutral and non-polar, with methionine, which is neutral and non-polar, at codon 698 of the MYH7 protein (p.Val698Met). This variant is not present in population databases (gnomAD no frequency). This missense change has been observed in individuals with hypertrophic cardiomyopathy (external communication, internal data). ClinVar contains an entry for this variant (Variation ID: 373704). Invitae Evidence Modeling of protein sequence and biophysical properties (such as structural, functional, and spatial information, amino acid conservation, physicochemical variation, residue mobility, and thermodynamic stability) indicates that this missense variant is expected to disrupt MYH7 protein function with a positive predictive value of 95%. This variant disrupts the p.Val698 amino acid residue in MYH7. Other variant(s) that disrupt this residue have been determined to be pathogenic (PMID: 28395747, 32894683). This suggests that this residue is clinically significant, and that variants that disrupt this residue are likely to be disease-causing. For these reasons, this variant has been classified as Pathogenic.

GeneDx
Classification: Uncertain significance. Last evaluated: 2016-12-01. Review status: flagged submission. Criteria: GeneDx Variant Classification (06012015). Collection method: clinical testing. Allele origin: germline. Affected: yes. Not counted in ClinVar's aggregate classification.
Comment: The V698M variant of uncertain significance in the MYH7 gene has not been published as a pathogenic variant, nor has it been reported as a benign variant to our knowledge. V698M was not observed in approximately 6,500 individuals of European and African American ancestry in the NHLBI Exome Sequencing Project, nor was it observed in the Exome Aggregation Consortium (ExAC), indicating it is not a common benign variant in these populations. The V698M variant is a conservative amino acid substitution, which is not likely to impact secondary protein structure as these residues share similar properties. However, this substitution occurs at a position that is conserved across species, and in silico analysis predicts this variant is probably damaging to the protein structure/function. Multiple missense variants in nearby residues (R694C, R694H, N696S), as well as a missense variant in the same residue (V698A) have been reported in the Human Gene Mutation Database in association with HCM (Stenson et al., 2014); however, the pathogenicity of these variants has not been definitively determined.Therefore, based on the currently available information, it is unclear whether this variant is pathogenic or rare benign. This result cannot be interpreted for diagnosis or used for family member screening at this time.
ClinVar note: Reason: Older and outlier claim with insufficient supporting evidence

Literature cited by the submitters: PubMed 28395747 (cited by Labcorp Genetics (formerly Invitae), Labcorp); PubMed 32894683 (cited by Labcorp Genetics (formerly Invitae), Labcorp).

NM_000257.4(MYH7):c.2092G>A (p.Val698Met)

Gene: MYH7 (myosin heavy chain 7; minus strand). Cytogenetic location: 14q11.2.
Variant type: single nucleotide variant.
Coding change: c.2092G>A on transcript NM_000257.4 (MANE Select); coding-DNA position 2092, G replaced by A.
Protein change: p.Val698Met; replaces valine 698 with methionine.
Molecular consequence: missense variant.
Genome position (GRCh38, 1-based): chr14:23,426,034, C>T on the plus strand (G>A on the coding strand, the complement: MYH7 is on the minus strand). VCF-style: chr14-23426034-C-T. GRCh37 (hg19) VCF-style: chr14-23895243-C-T.
Other names: c.2092G>A (NM_000257.3, LRG_384t1); short protein forms V698M.
Identifiers: ClinVar variation 373704 (VCV000373704.14), dbSNP rs1057518560, ClinGen allele CA16042911.